The following is an entry in ClinVar:

NM_001374828.1(ARID1B):c.1773_1774dup (p.Thr592fs)

Gene: ARID1B (AT-rich interaction domain 1B; plus strand). Cytogenetic location: 6q25.3.
Variant type: Duplication.
Coding change: c.1773_1774dup on transcript NM_001374828.1 (MANE Select); coding-DNA positions 1773 to 1774, 2 bases duplicated (GA; older notation c.1773_1774dupGA).
Protein change: p.Thr592fs; shifts the reading frame from threonine 592.
Molecular consequence: frameshift variant.
Genome position (GRCh38, 1-based): chr6:156,779,453-156,779,454, GA duplicated. VCF-style (leftmost placement, unchanged base first): chr6-156779452-C-CGA. GRCh37 (hg19) VCF-style: chr6-157100586-C-CGA.
Other names: c.1524_1525dupGA (NM_020732.3); c.1773_1774dup, p.Thr592fs (NM_001371656.1, NM_001374820.1, NM_017519.3); short protein forms T592fs.
Identifiers: ClinVar variation 418956 (VCV000418956.1), dbSNP rs1554248273, ClinGen allele CA16618261.

ClinVar aggregate classification (germline): Pathogenic (1 of 4 stars; one submission).

Submission:

GeneDx
Classification: Pathogenic. Last evaluated: 2015-05-19. Review status: criteria provided, single submitter. Criteria: GeneDx Variant Classification (06012015). Collection method: clinical testing. Allele origin: germline. Affected: yes.
Comment: The c.1524_1525dupGA duplication in the ARID1B gene has not been reported previously as a pathogenic variant nor as a benign polymorphism, to our knowledge. The c.1524_1525dupGA duplication causes a frameshift starting with codon Threonine 509, changes this amino acid to an Arginine residue and creates a premature Stop codon at position15 of the new reading frame, denoted p.Thr509ArgfsX15. This variant is predicted to cause loss of normal protein function either through protein truncation or nonsense-mediated mRNA decay. The c.1524_1525dupGA variant was not observed in approximately 5200individuals of European and African American ancestry in the NHLBI Exome Sequencing Project,indicating it is not a common benign variant in these populations. We interpret c.1524_1525dupGA as apathogenic variant.